The following is an entry in ClinVar:

ClinVar aggregate classification (germline): Benign/Likely benign. Review status: criteria provided, multiple submitters, no conflicts (2 of 4 stars). 3 submissions from 3 submitters: Benign (1); Likely benign (2). Last evaluated 2025-03-26.

Conditions:
Peutz-Jeghers syndrome (PJS). Also called: POLYPOSIS, HAMARTOMATOUS INTESTINAL; POLYPS-AND-SPOTS SYNDROME; Peutz-Jeghers polyposis; Periorificial lentiginosis syndrome. Identifiers: Orphanet 2869, MedGen C0031269, MeSH D010580, MONDO:0008280, OMIM 175200.

Submissions (3):

Myriad Genetics, Inc.
Classification: Benign for Peutz-Jeghers syndrome. Last evaluated: 2025-03-26. Review status: criteria provided, single submitter. Criteria: Myriad Autosomal Dominant, Autosomal Recessive and X-Linked Classification Criteria (2023). Collection method: clinical testing. Allele origin: unknown.
Comment: This variant is considered benign. This variant is a silent/synonymous amino acid change and it is not expected to impact splicing.

All of Us Research Program, National Institutes of Health
Classification: Likely benign for Peutz-Jeghers syndrome. Last evaluated: 2023-10-02. Review status: criteria provided, single submitter. Criteria: ACMG Guidelines, 2015. Collection method: clinical testing. Allele origin: germline. Inheritance: Autosomal dominant inheritance. Observed: 1 variant allele, 1 heterozygote.
Comment: This study involves interpretation of variants in research participants for the purpose of population health screening. Participant phenotype was not available at the time of variant classification. Additional details can be found in publication PMID: 35346344, PMCID: PMC8962531

Labcorp Genetics (formerly Invitae), Labcorp
Classification: Likely benign for Peutz-Jeghers syndrome. Last evaluated: 2022-10-24. Review status: criteria provided, single submitter. Criteria: Invitae Variant Classification Sherloc (09022015). Collection method: clinical testing. Allele origin: germline.

NM_000455.5(STK11):c.459C>T (p.Ala153=)

Gene: STK11 (serine/threonine kinase 11; plus strand). Cytogenetic location: 19p13.3.
Variant type: single nucleotide variant.
Coding change: c.459C>T on transcript NM_000455.5 (MANE Select); coding-DNA position 459, C replaced by T.
Protein change: p.Ala153=; no amino-acid change (alanine 153 retained).
Molecular consequence: synonymous variant.
Genome position (GRCh38, 1-based): chr19:1,219,408, C>T. VCF-style: chr19-1219408-C-T. GRCh37 (hg19) VCF-style: chr19-1219407-C-T.
Identifiers: ClinVar variation 458047 (VCV000458047.10), dbSNP rs1191357643, ClinGen allele CA504706624.
Genomic context (GRCh38, chr19:1,219,408, plus strand): 5'-GTGTGGCATGCAGGAAATGCTGGACAGCGTGCCGGAGAAGCGTTTCCCAGTGTGCCAGGC[C>T]CACGGGTGCGTGCGCGGGGCAGGGGCCAGGGTGGGGCGGGGGCCGGGGGCCAGGCAGGGC-3'
Protein context (NP_000446.1, residues 143-163): VPEKRFPVCQ[Ala153=]HGYFCQLIDG